The following is an entry in ClinVar:

NM_001371928.1(AHDC1):c.2254C>T (p.Pro752Ser)

Gene: AHDC1 (AT-hook DNA binding motif containing 1; minus strand). Cytogenetic location: 1p36.11.
Variant type: single nucleotide variant.
Coding change: c.2254C>T on transcript NM_001371928.1 (MANE Select); coding-DNA position 2254, C replaced by T.
Protein change: p.Pro752Ser; replaces proline 752 with serine.
Molecular consequence: missense variant.
Genome position (GRCh38, 1-based): chr1:27,549,862, G>A on the plus strand (C>T on the coding strand, the complement: AHDC1 is on the minus strand). VCF-style: chr1-27549862-G-A. GRCh37 (hg19) VCF-style: chr1-27876373-G-A.
Other names: c.2254C>T, p.Pro752Ser (NM_001029882.3); short protein forms P752S.
Identifiers: ClinVar variation 2972008 (VCV002972008.3), dbSNP rs2019428406, ClinGen allele CA339232353.

ClinVar aggregate classification (germline): Uncertain significance (1 of 4 stars; one submission).

Allele frequency attached by ClinVar (database versions not stated): TOPMed below 0.00001; gnomAD 0.00001; gnomAD exomes 0.00001.
gnomAD v4.1: 17 of 1,613,288 alleles (0.0011%); highest among the groups gnomAD compares: African/African-American, 0.0027%; no homozygotes.

Submission:

Labcorp Genetics (formerly Invitae), Labcorp
Classification: Uncertain significance. Last evaluated: 2023-08-11. Review status: criteria provided, single submitter. Criteria: Invitae Variant Classification Sherloc (09022015). Collection method: clinical testing. Allele origin: germline.
Comment: An algorithm developed to predict the effect of missense changes on protein structure and function (PolyPhen-2) suggests that this variant is likely to be disruptive. This variant has not been reported in the literature in individuals affected with AHDC1-related conditions. This variant is not present in population databases (gnomAD no frequency). This sequence change replaces proline, which is neutral and non-polar, with serine, which is neutral and polar, at codon 752 of the AHDC1 protein (p.Pro752Ser). In summary, the available evidence is currently insufficient to determine the role of this variant in disease. Therefore, it has been classified as a Variant of Uncertain Significance.